The following is an entry in ClinVar:

NM_001130009.3(GEN1):c.2060A>T (p.Asp687Val)

Gene: GEN1 (GEN1 structure-specific endonuclease; plus strand). Cytogenetic location: 2p24.2.
Variant type: single nucleotide variant.
Coding change: c.2060A>T on transcript NM_001130009.3 (MANE Select); coding-DNA position 2060, A replaced by T.
Protein change: p.Asp687Val; replaces aspartic acid 687 with valine.
Molecular consequence: missense variant.
Genome position (GRCh38, 1-based): chr2:17,781,272, A>T. VCF-style: chr2-17781272-A-T. GRCh37 (hg19) VCF-style: chr2-17962539-A-T.
Other names: c.2060A>T, p.Asp687Val (NM_182625.5); short protein forms D687V.
Identifiers: ClinVar variation 4671492 (VCV004671492.1).

ClinVar aggregate classification (germline): Uncertain significance (1 of 4 stars; one submission).

Submission:

Ambry Genetics
Classification: Uncertain significance. Last evaluated: 2025-10-30. Review status: criteria provided, single submitter. Criteria: Ambry Variant Classification Scheme 2023. Collection method: clinical testing. Allele origin: germline.
Comment: The p.D687V variant (also known as c.2060A>T), located in coding exon 13 of the GEN1 gene, results from an A to T substitution at nucleotide position 2060. The aspartic acid at codon 687 is replaced by valine, an amino acid with highly dissimilar properties. This amino acid position is conserved. In addition, this alteration is predicted to be tolerated by in silico analysis. Based on the available evidence, the clinical significance of this variant remains unclear.